The following is an entry in ClinVar:

NM_000321.3(RB1):c.1332+1G>T

Gene: RB1 (RB transcriptional corepressor 1; plus strand). Cytogenetic location: 13q14.2.
Variant type: single nucleotide variant.
Coding change: c.1332+1G>T on transcript NM_000321.3 (MANE Select); the canonical splice donor site of the intron after coding-DNA position 1332, G replaced by T.
Molecular consequence: splice donor variant.
Genome position (GRCh38, 1-based): chr13:48,377,035, G>T. VCF-style: chr13-48377035-G-T. GRCh37 (hg19) VCF-style: chr13-48951171-G-T.
Other names: L11910:g.73870G>T; c.1332+1G>T (NM_001407165.1, NM_001407166.1).
Identifiers: ClinVar variation 126835 (VCV000126835.2), dbSNP rs587778846, ClinGen allele CA026370.

ClinVar aggregate classification (germline): Pathogenic (1 of 4 stars; one submission).

Conditions:
Retinoblastoma (RB1). Also called: RETINOBLASTOMA, SOMATIC. Identifiers: Orphanet 790, MedGen C0035335, MeSH D012175, MONDO:0008380, OMIM 180200, HP:0009919. Disease mechanism: loss of function. Inheritance: Both sporadic and heritable forms are tested..

Submission:

Genetic Diagnostic Laboratory, University of Pennsylvania School of Medicine
Classification: Pathogenic for Retinoblastoma. Last evaluated: 2024-05-20. Review status: criteria provided, single submitter. Criteria: ACMG Guidelines, 2015. Collection method: clinical testing. Allele origin: germline. Affected: yes. Observed: 2 variant alleles.
Comment: Case and Pedigree Information: BILATERAL CASES:2, UNILATERAL CASES:0, TOTAL CASES:2, PEDIGREES:2. ACMG Codes Applied:PVS1, PM2